The following is an entry in ClinVar:

ClinVar aggregate classification (germline): Uncertain significance. Review status: criteria provided, multiple submitters, no conflicts (2 of 4 stars). 2 submissions from 2 submitters: Uncertain significance (2). Last evaluated 2025-08-26.

Conditions:
Autosomal recessive limb-girdle muscular dystrophy type 2A (LGMDR1). Also called: Limb-girdle muscular dystrophy, type 2A; Calpainopathy; LEYDEN-MOEBIUS MUSCULAR DYSTROPHY; MUSCULAR DYSTROPHY, PELVOFEMORAL; Muscular dystrophy, limb-girdle, type 2A, Amish. Identifiers: Orphanet 267, MedGen C1869123, MONDO:0009675, OMIM 253600. Disease mechanism: loss of function.
Inborn genetic diseases. Identifiers: MedGen C0950123, MeSH D030342.

Allele frequency attached by ClinVar (database versions not stated): ExAC 0.00001; TOPMed 0.00001; gnomAD 0.00002; gnomAD exomes 0.00002; ESP Exome Variant Server 0.00008.
gnomAD v4.1: 14 of 1,614,058 alleles (0.00087%); highest among the groups gnomAD compares: Admixed American, 0.0067%; no homozygotes.

Submissions (2):

Ambry Genetics
Classification: Uncertain significance for Inborn genetic diseases. Last evaluated: 2025-08-26. Review status: criteria provided, single submitter. Criteria: Ambry Variant Classification Scheme 2023. Collection method: clinical testing. Allele origin: germline.

Labcorp Genetics (formerly Invitae), Labcorp
Classification: Uncertain significance for Autosomal recessive limb-girdle muscular dystrophy type 2A. Last evaluated: 2023-10-03. Review status: criteria provided, single submitter. Criteria: Invitae Variant Classification Sherloc (09022015). Collection method: clinical testing. Allele origin: germline.
Comment: This sequence change replaces arginine, which is basic and polar, with cysteine, which is neutral and slightly polar, at codon 548 of the CAPN3 protein (p.Arg548Cys). This variant is present in population databases (rs375279877, gnomAD 0.006%). This variant has not been reported in the literature in individuals affected with CAPN3-related conditions. ClinVar contains an entry for this variant (Variation ID: 1966249). Advanced modeling of protein sequence and biophysical properties (such as structural, functional, and spatial information, amino acid conservation, physicochemical variation, residue mobility, and thermodynamic stability) performed at Invitae indicates that this missense variant is not expected to disrupt CAPN3 protein function. In summary, the available evidence is currently insufficient to determine the role of this variant in disease. Therefore, it has been classified as a Variant of Uncertain Significance.

NM_000070.3(CAPN3):c.1642C>T (p.Arg548Cys)

Gene: CAPN3 (calpain 3; plus strand). Cytogenetic location: 15q15.1.
Variant type: single nucleotide variant.
Coding change: c.1642C>T on transcript NM_000070.3 (MANE Select); coding-DNA position 1642, C replaced by T.
Protein change: p.Arg548Cys; replaces arginine 548 with cysteine.
Molecular consequence: missense variant.
Genome position (GRCh38, 1-based): chr15:42,402,899, C>T. VCF-style: chr15-42402899-C-T. GRCh37 (hg19) VCF-style: chr15-42695097-C-T.
Other names: c.1642C>T, p.Arg548Cys (NM_024344.2); c.1498C>T, p.Arg500Cys (NM_173087.2); c.106C>T, p.Arg36Cys (NM_173088.2); c.*758C>T (NM_212464.2); c.*1335C>T (NM_212467.2); c.1642C>T (NM_000070.2); short protein forms R36C, R500C, R548C.
Identifiers: ClinVar variation 1966249 (VCV001966249.4), dbSNP rs375279877, ClinGen allele CA7511453.